The following is an entry in ClinVar:

NM_000051.4(ATM):c.5213A>G (p.Lys1738Arg)

Gene: ATM (ATM serine/threonine kinase; plus strand). Cytogenetic location: 11q22.3.
Variant type: single nucleotide variant.
Coding change: c.5213A>G on transcript NM_000051.4 (MANE Select); coding-DNA position 5213, A replaced by G.
Protein change: p.Lys1738Arg; replaces lysine 1738 with arginine.
Molecular consequence: missense variant.
Genome position (GRCh38, 1-based): chr11:108,301,683, A>G. VCF-style: chr11-108301683-A-G. GRCh37 (hg19) VCF-style: chr11-108172410-A-G.
Other names: c.5213A>G, p.Lys1738Arg (NM_001351834.2); short protein forms K1738R.
Identifiers: ClinVar variation 1746120 (VCV001746120.4), dbSNP rs2546973025, ClinGen allele CA382542259.

ClinVar aggregate classification (germline): Uncertain significance. Review status: criteria provided, multiple submitters, no conflicts (2 of 4 stars). 2 submissions from 2 submitters: Uncertain significance (2). Last evaluated 2024-03-06.

Conditions:
Hereditary cancer-predisposing syndrome. Also called: Hereditary Cancer Syndrome; Neoplastic Syndromes, Hereditary; Tumor predisposition; Hereditary neoplastic syndrome. Identifiers: Orphanet 140162, MedGen C0027672, MeSH D009386, MONDO:0015356.

Submissions (2):

Color Diagnostics, LLC DBA Color Health
Classification: Uncertain significance for Hereditary cancer-predisposing syndrome. Last evaluated: 2024-03-06. Review status: criteria provided, single submitter. Criteria: ACMG Guidelines, 2015. Collection method: clinical testing. Allele origin: germline.
Comment: This missense variant replaces lysine with arginine at codon 1738 of the ATM protein. Computational prediction is inconclusive regarding the impact of this variant on protein structure and function (internally defined REVEL score threshold 0.5 < inconclusive < 0.7, PMID: 27666373). To our knowledge, functional studies have not been reported for this variant. This variant has not been reported in individuals affected with hereditary cancer in the literature. This variant has not been identified in the general population by the Genome Aggregation Database (gnomAD). The available evidence is insufficient to determine the role of this variant in disease conclusively. Therefore, this variant is classified as a Variant of Uncertain Significance.

Ambry Genetics
Classification: Uncertain significance for Hereditary cancer-predisposing syndrome. Last evaluated: 2020-06-24. Review status: criteria provided, single submitter. Criteria: Ambry Variant Classification Scheme 2023. Collection method: clinical testing. Allele origin: germline.
Comment: The p.K1738R variant (also known as c.5213A>G), located in coding exon 34 of the ATM gene, results from an A to G substitution at nucleotide position 5213. The lysine at codon 1738 is replaced by arginine, an amino acid with highly similar properties. This amino acid position is highly conserved in available vertebrate species. In addition, the in silico prediction for this alteration is inconclusive. Since supporting evidence is limited at this time, the clinical significance of this alteration remains unclear.